The following is an entry in ClinVar:

ClinVar aggregate classification (germline): Uncertain significance (1 of 4 stars; one submission).

Conditions:
Charcot-Marie-Tooth disease, type I (CMT1). Also called: Charcot-Marie-Tooth disease type 1; Charcot-Marie-Tooth, Type 1. Identifiers: Orphanet 65753, MedGen C0751036, MONDO:0019011.

gnomAD v4.1: 1 of 1,589,532 alleles (0.000063%); highest among the groups gnomAD compares: Non-Finnish European, 0.000086%; no homozygotes.

Submission:

Labcorp Genetics (formerly Invitae), Labcorp
Classification: Uncertain significance for Charcot-Marie-Tooth disease, type I. Last evaluated: 2024-10-28. Review status: criteria provided, single submitter. Criteria: Invitae Variant Classification Sherloc (09022015). Collection method: clinical testing. Allele origin: germline.
Comment: This sequence change replaces proline, which is neutral and non-polar, with alanine, which is neutral and non-polar, at codon 10 of the MPZ protein (p.Pro10Ala). This variant is not present in population databases (gnomAD no frequency). This variant has not been reported in the literature in individuals affected with MPZ-related conditions. Experimental studies and prediction algorithms are not available or were not evaluated, and the functional significance of this variant is currently unknown. In summary, the available evidence is currently insufficient to determine the role of this variant in disease. Therefore, it has been classified as a Variant of Uncertain Significance.

NM_000530.8(MPZ):c.28C>G (p.Pro10Ala)

Gene: MPZ (myelin protein zero; minus strand). Cytogenetic location: 1q23.3.
Variant type: single nucleotide variant.
Coding change: c.28C>G on transcript NM_000530.8 (MANE Select); coding-DNA position 28, C replaced by G.
Protein change: p.Pro10Ala; replaces proline 10 with alanine.
Molecular consequence: missense variant.
Genome position (GRCh38, 1-based): chr1:161,309,878, G>C on the plus strand (C>G on the coding strand, the complement: MPZ is on the minus strand). VCF-style: chr1-161309878-G-C. GRCh37 (hg19) VCF-style: chr1-161279668-G-C.
Other names: c.28C>G, p.Pro10Ala (NM_001315491.2); short protein forms P10A.
Identifiers: ClinVar variation 3603570 (VCV003603570.2).